The following is an entry in ClinVar:

NM_001267550.2(TTN):c.55433A>C (p.Asp18478Ala)

Genes: TTN (titin; minus strand), TTN-AS1 (TTN antisense RNA 1; plus strand). Cytogenetic location: 2q31.2.
Variant type: single nucleotide variant.
Coding change: c.55433A>C on transcript NM_001267550.2 (MANE Select); coding-DNA position 55433, A replaced by C.
Protein change: p.Asp18478Ala; replaces aspartic acid 18478 with alanine.
Molecular consequence: missense variant.
Genome position (GRCh38, 1-based): chr2:178,601,564, T>G on the plus strand (A>C on the coding strand, the complement: TTN is on the minus strand). VCF-style: chr2-178601564-T-G. GRCh37 (hg19) VCF-style: chr2-179466291-T-G.
Other names: p.D15910A:GAT>GCT; c.50510A>C, p.Asp16837Ala (NM_001256850.1); c.28238A>C, p.Asp9413Ala (NM_003319.4); c.47729A>C, p.Asp15910Ala (NM_133378.4); c.28613A>C, p.Asp9538Ala (NM_133432.3); c.28814A>C, p.Asp9605Ala (NM_133437.4); short protein forms D15910A, D18478A, D16837A, D9413A, D9605A, D9538A.
Identifiers: ClinVar variation 202310 (VCV000202310.3), dbSNP rs794729240, ClinGen allele CA309046.

ClinVar aggregate classification (germline): Likely benign (1 of 4 stars; one submission).

Allele frequency attached by ClinVar (database versions not stated): gnomAD exomes below 0.00001.
gnomAD v4.1: 1 of 1,608,476 alleles (0.000062%); highest among the groups gnomAD compares: Non-Finnish European, 0.000085%; no homozygotes.

Submission:

GeneDx
Classification: Likely benign. Last evaluated: 2012-10-11. Review status: criteria provided, single submitter. Criteria: GeneDx Variant Classification (06012015). Collection method: clinical testing. Allele origin: germline. Affected: yes.
Comment: This variant is considered likely benign or benign based on one or more of the following criteria: it is a conservative change, it occurs at a poorly conserved position in the protein, it is predicted to be benign by multiple in silico algorithms, and/or has population frequency not consistent with disease.